The following is an entry in ClinVar:

NM_001369268.1(ACAN):c.2291C>G (p.Thr764Ser)

Gene: ACAN (aggrecan; plus strand). Cytogenetic location: 15q26.1.
Variant type: single nucleotide variant.
Coding change: c.2291C>G on transcript NM_001369268.1 (MANE Select); coding-DNA position 2291, C replaced by G.
Protein change: p.Thr764Ser; replaces threonine 764 with serine.
Molecular consequence: missense variant.
Genome position (GRCh38, 1-based): chr15:88,854,876, C>G. VCF-style: chr15-88854876-C-G. GRCh37 (hg19) VCF-style: chr15-89398107-C-G.
Other names: c.2291C>G, p.Thr764Ser (NM_001135.4, NM_001411096.1, NM_001411097.1 and 1 more transcripts); short protein forms T764S.
Identifiers: ClinVar variation 4536901 (VCV004536901.1).
Genomic context (GRCh38, chr15:88,854,876, plus strand): 5'-AACCCACACTTCATCTTTCTTCCTTCTTTCCTACAGGGATCCTTCCTACTTGGCCTCCCA[C>G]TGGCGCAGCAACAGAGGAAAGTACAGAAGGCCCTTCTGCAACTGAAGTGCCCTCTGCCTC-3'
Protein context (NP_001356197.1, residues 754-774): LPGILPTWPP[Thr764Ser]GAATEESTEG

ClinVar aggregate classification (germline): Uncertain significance (1 of 4 stars; one submission).

Submission:

Women's Health and Genetics/Laboratory Corporation of America, LabCorp
Classification: Uncertain significance. Last evaluated: 2025-11-10. Review status: criteria provided, single submitter. Criteria: LabCorp Variant Classification Summary - May 2015. Collection method: clinical testing. Allele origin: germline.
Comment: Variant summary: ACAN c.2291C>G (p.Thr764Ser) results in a conservative amino acid change in the encoded protein sequence. Algorithms developed to predict the effect of missense changes on protein structure and function all suggest that this variant is likely to be tolerated. The frequency data for this variant in gnomAD is considered unreliable, as metrics indicate poor data quality at this position. To our knowledge, no occurrence of c.2291C>G in individuals affected with ACAN-related conditions and no experimental evidence demonstrating its impact on protein function have been reported. No submitters have cited clinical-significance assessments for this variant to ClinVar. Based on the evidence outlined above, the variant was classified as uncertain significance.